The following is an entry in ClinVar:

ClinVar aggregate classification (germline): Uncertain significance (1 of 4 stars; one submission).

Allele frequency attached by ClinVar (database versions not stated): gnomAD exomes below 0.00001 and 0.00001; TOPMed 0.00001.

Submission:

Labcorp Genetics (formerly Invitae), Labcorp
Classification: Uncertain significance. Last evaluated: 2021-05-31. Review status: criteria provided, single submitter. Criteria: Invitae Variant Classification Sherloc (09022015). Collection method: clinical testing. Allele origin: germline.
Comment: In summary, the available evidence is currently insufficient to determine the role of this variant in disease. Therefore, it has been classified as a Variant of Uncertain Significance. Algorithms developed to predict the effect of missense changes on protein structure and function (SIFT, PolyPhen-2, Align-GVGD) all suggest that this variant is likely to be tolerated, but these predictions have not been confirmed by published functional studies and their clinical significance is uncertain. This variant has not been reported in the literature in individuals with PCARE-related conditions. This variant is not present in population databases (ExAC no frequency). This sequence change replaces glutamic acid with alanine at codon 812 of the PCARE protein (p.Glu812Ala). The glutamic acid residue is highly conserved and there is a moderate physicochemical difference between glutamic acid and alanine.

NM_001029883.3(PCARE):c.2435A>C (p.Glu812Ala)

Gene: PCARE (photoreceptor cilium actin regulator; minus strand). Cytogenetic location: 2p23.2.
Variant type: single nucleotide variant.
Coding change: c.2435A>C on transcript NM_001029883.3 (MANE Select); coding-DNA position 2435, A replaced by C.
Protein change: p.Glu812Ala; replaces glutamic acid 812 with alanine.
Molecular consequence: missense variant.
Genome position (GRCh38, 1-based): chr2:29,071,827, T>G on the plus strand (A>C on the coding strand, the complement: PCARE is on the minus strand). VCF-style: chr2-29071827-T-G. GRCh37 (hg19) VCF-style: chr2-29294693-T-G.
Other names: short protein forms E812A.
Identifiers: ClinVar variation 1449821 (VCV001449821.8), dbSNP rs1238234324, ClinGen allele CA346477544.